The following is an entry in ClinVar:

ClinVar aggregate classification (germline): Uncertain significance. Review status: criteria provided, multiple submitters, no conflicts (2 of 4 stars). 2 submissions from 2 submitters: Uncertain significance (2). Last evaluated 2022-07-11.

Conditions:
DICER1-related tumor predisposition. Also called: DICER1 syndrome; DICER1-related pleuropulmonary blastoma cancer predisposition syndrome. Identifiers: Orphanet 284343, MedGen C3839822, MONDO:0100216.
Hereditary cancer-predisposing syndrome. Also called: Hereditary neoplastic syndrome; Tumor predisposition; Neoplastic Syndromes, Hereditary; Hereditary Cancer Syndrome. Identifiers: Orphanet 140162, MedGen C0027672, MeSH D009386, MONDO:0015356.

Allele frequency attached by ClinVar (database versions not stated): gnomAD exomes below 0.00001.
gnomAD v4.1: 1 of 1,610,818 alleles (0.000062%); highest among the groups gnomAD compares: Non-Finnish European, 0.000085%; no homozygotes.

Submissions (2):

Labcorp Genetics (formerly Invitae), Labcorp
Classification: Uncertain significance for DICER1-related tumor predisposition. Last evaluated: 2022-07-11. Review status: criteria provided, single submitter. Criteria: Invitae Variant Classification Sherloc (09022015). Collection method: clinical testing. Allele origin: germline.
Comment: In summary, the available evidence is currently insufficient to determine the role of this variant in disease. Therefore, it has been classified as a Variant of Uncertain Significance. Variants that disrupt the consensus splice site are a relatively common cause of aberrant splicing (PMID: 17576681, 9536098). Algorithms developed to predict the effect of sequence changes on RNA splicing suggest that this variant may disrupt the consensus splice site. Algorithms developed to predict the effect of missense changes on protein structure and function are either unavailable or do not agree on the potential impact of this missense change (SIFT: "Deleterious"; PolyPhen-2: "Benign"; Align-GVGD: "Class C0"). ClinVar contains an entry for this variant (Variation ID: 959324). This variant has not been reported in the literature in individuals affected with DICER1-related conditions. This variant is not present in population databases (gnomAD no frequency). This sequence change replaces lysine, which is basic and polar, with asparagine, which is neutral and polar, at codon 584 of the DICER1 protein (p.Lys584Asn). This variant also falls at the last nucleotide of exon 10, which is part of the consensus splice site for this exon.

Ambry Genetics
Classification: Uncertain significance for Hereditary cancer-predisposing syndrome. Last evaluated: 2020-09-17. Review status: criteria provided, single submitter. Criteria: Ambry Variant Classification Scheme 2023. Collection method: clinical testing. Allele origin: germline.
Comment: The p.K584N variant (also known as c.1752G>C), located in coding exon 9 of the DICER1 gene, results from a G to C substitution at nucleotide position 1752. The lysine at codon 584 is replaced by asparagine, an amino acid with similar properties. This amino acid position is highly conserved in available vertebrate species. In addition, this alteration is predicted to be tolerated by in silico analysis. Since supporting evidence is limited at this time, the clinical significance of this alteration remains unclear.

Literature cited by the submitters: PubMed 17576681 (cited by Labcorp Genetics (formerly Invitae), Labcorp); PubMed 9536098 (cited by Labcorp Genetics (formerly Invitae), Labcorp).

NM_177438.3(DICER1):c.1752G>C (p.Lys584Asn)

Gene: DICER1 (dicer 1, ribonuclease III; minus strand). Cytogenetic location: 14q32.13.
Variant type: single nucleotide variant.
Coding change: c.1752G>C on transcript NM_177438.3 (MANE Select); coding-DNA position 1752, G replaced by C.
Protein change: p.Lys584Asn; replaces lysine 584 with asparagine.
Molecular consequence: missense variant.
Genome position (GRCh38, 1-based): chr14:95,116,453, C>G on the plus strand (G>C on the coding strand, the complement: DICER1 is on the minus strand). VCF-style: chr14-95116453-C-G. GRCh37 (hg19) VCF-style: chr14-95582790-C-G.
Other names: c.1752G>C, p.Lys584Asn (NM_001195573.1, NM_001271282.3, NM_001291628.2 and 1 more transcripts); short protein forms K584N.
Identifiers: ClinVar variation 959324 (VCV000959324.13), dbSNP rs1595410309, ClinGen allele CA390884642.